The following is an entry in ClinVar:

NM_000214.3(JAG1):c.2333T>C (p.Ile778Thr)

Gene: JAG1 (jagged canonical Notch ligand 1; minus strand). Cytogenetic location: 20p12.2.
Variant type: single nucleotide variant.
Coding change: c.2333T>C on transcript NM_000214.3 (MANE Select); coding-DNA position 2333, T replaced by C.
Protein change: p.Ile778Thr; replaces isoleucine 778 with threonine.
Molecular consequence: missense variant.
Genome position (GRCh38, 1-based): chr20:10,644,874, A>G on the plus strand (T>C on the coding strand, the complement: JAG1 is on the minus strand). VCF-style: chr20-10644874-A-G. GRCh37 (hg19) VCF-style: chr20-10625522-A-G.
Other names: c.2333T>C (NM_000214.2); short protein forms I778T.
Identifiers: ClinVar variation 1001310 (VCV001001310.9), dbSNP rs767504037, ClinGen allele CA9764555.
Genomic context (GRCh38, chr20:10,644,874, plus strand): 5'-GGATCTGCTCCGACAGCCCTGGGAGAGTTCAAGGGGGGAGGACACTCACTCTGAGCACAG[A>G]TGGGCCCCTCCCAGCCTTCCTTGCAGACGCACGTAAAGGACTCGCCGTTGACCACACATG-3'
Protein context (NP_000205.1, residues 768-788): CVCKEGWEGP[Ile778Thr]CAQNTNDCSP

ClinVar aggregate classification (germline): Conflicting classifications of pathogenicity. Review status: criteria provided, conflicting classifications (1 of 4 stars). 2 submissions from 2 submitters: Uncertain significance (1); Likely benign (1). Last evaluated 2025-12-20.

Conditions:
Alagille syndrome due to a JAG1 point mutation. Also called: Alagille Syndrome 1; HEPATIC DUCTULAR HYPOPLASIA, SYNDROMATIC; JAG1-Related Alagille Syndrome. Identifiers: Orphanet 261619, Orphanet 52, MedGen C1956125, MONDO:0016862, OMIM 118450.
Cardiovascular phenotype. Identifiers: MedGen CN230736.

Allele frequency attached by ClinVar (database versions not stated): gnomAD exomes below 0.00001 and 0.00001; ExAC 0.00001.
gnomAD v4.1: 2 of 1,612,996 alleles (0.00012%); highest among the groups gnomAD compares: Admixed American, 0.0033%; no homozygotes.

Submissions (2):

Labcorp Genetics (formerly Invitae), Labcorp
Classification: Likely benign for Alagille syndrome due to a JAG1 point mutation. Last evaluated: 2025-12-20. Review status: criteria provided, single submitter. Criteria: Invitae Variant Classification Sherloc (09022015). Collection method: clinical testing. Allele origin: germline.

Ambry Genetics
Classification: Uncertain significance for Cardiovascular phenotype. Last evaluated: 2024-08-23. Review status: criteria provided, single submitter. Criteria: Ambry Variant Classification Scheme 2023. Collection method: clinical testing. Allele origin: germline.
Comment: The p.I778T variant (also known as c.2333T>C), located in coding exon 18 of the JAG1 gene, results from a T to C substitution at nucleotide position 2333. The isoleucine at codon 778 is replaced by threonine, an amino acid with similar properties. This amino acid position is conserved. In addition, this alteration is predicted to be tolerated by in silico analysis. Based on the available evidence, the clinical significance of this variant remains unclear.